The following is an entry in ClinVar:

ClinVar aggregate classification (germline): Uncertain significance. Review status: criteria provided, multiple submitters, no conflicts (2 of 4 stars). 3 submissions from 3 submitters: Uncertain significance (3). Last evaluated 2026-02-25.

Allele frequency attached by ClinVar (database versions not stated): gnomAD exomes 0.00001; gnomAD 0.00002; TOPMed 0.00002.
gnomAD v4.1: 12 of 1,613,744 alleles (0.00074%); highest among the groups gnomAD compares: African/African-American, 0.0027%; no homozygotes.

Submissions (3):

Women's Health and Genetics/Laboratory Corporation of America, LabCorp
Classification: Uncertain significance. Last evaluated: 2026-02-25. Review status: criteria provided, single submitter. Criteria: LabCorp Variant Classification Summary - May 2015. Collection method: clinical testing. Allele origin: germline.
Comment: Variant summary: ARHGEF10 c.445C>T (p.Pro149Ser) results in a non-conservative amino acid change in the encoded protein sequence. Algorithms developed to predict the effect of missense changes on protein structure and function all suggest that this variant is likely to be disruptive. The variant allele was found at a frequency of 1.2e-05 in 251162 control chromosomes. The available data on variant occurrences in the general population are insufficient to allow any conclusion about variant significance. To our knowledge, no occurrence of c.445C>T in individuals affected with ARHGEF10-related conditions and no experimental evidence demonstrating its impact on protein function have been reported. ClinVar contains an entry for this variant (Variation ID: 2244912). Based on the evidence outlined above, the variant was classified as uncertain significance.

Ambry Genetics
Classification: Uncertain significance. Last evaluated: 2025-08-31. Review status: criteria provided, single submitter. Criteria: Ambry Variant Classification Scheme 2023. Collection method: clinical testing. Allele origin: germline.

Labcorp Genetics (formerly Invitae), Labcorp
Classification: Uncertain significance. Last evaluated: 2023-08-11. Review status: criteria provided, single submitter. Criteria: Invitae Variant Classification Sherloc (09022015). Collection method: clinical testing. Allele origin: germline.
Comment: This sequence change replaces proline, which is neutral and non-polar, with serine, which is neutral and polar, at codon 149 of the ARHGEF10 protein (p.Pro149Ser). This variant is present in population databases (no rsID available, gnomAD 0.003%). This variant has not been reported in the literature in individuals affected with ARHGEF10-related conditions. ClinVar contains an entry for this variant (Variation ID: 2244912). An algorithm developed to predict the effect of missense changes on protein structure and function (PolyPhen-2) suggests that this variant is likely to be disruptive. In summary, the available evidence is currently insufficient to determine the role of this variant in disease. Therefore, it has been classified as a Variant of Uncertain Significance.

NM_014629.4(ARHGEF10):c.445C>T (p.Pro149Ser)

Gene: ARHGEF10 (Rho guanine nucleotide exchange factor 10; plus strand). Cytogenetic location: 8p23.3.
Variant type: single nucleotide variant.
Coding change: c.445C>T on transcript NM_014629.4 (MANE Select); coding-DNA position 445, C replaced by T.
Protein change: p.Pro149Ser; replaces proline 149 with serine.
Molecular consequence: missense variant.
Genome position (GRCh38, 1-based): chr8:1,860,148, C>T. VCF-style: chr8-1860148-C-T. GRCh37 (hg19) VCF-style: chr8-1808314-C-T.
Other names: c.445C>T, p.Pro149Ser (NM_001308152.2, NM_001308153.3); short protein forms P149S, P173S.
Identifiers: ClinVar variation 2244912 (VCV002244912.5), dbSNP rs1027692628, ClinGen allele CA170589034.